The following is an entry in ClinVar:

ClinVar aggregate classification (germline): Likely benign. Review status: criteria provided, multiple submitters, no conflicts (2 of 4 stars). 3 submissions from 3 submitters: Likely benign (2). 1 of the submissions does not count toward it. Last evaluated 2023-09-03.

Conditions:
Neuromuscular disease caused by qualitative or quantitative defects of dysferlin. Also called: Dysferlinopathy; Qualitative or quantitative defects of dysferlin. Identifiers: Orphanet 207073, MedGen C2931687, MONDO:0016145.
Autosomal recessive limb-girdle muscular dystrophy type 2B (LGMDR2). Also called: MUSCULAR DYSTROPHY, LIMB-GIRDLE, TYPE 3; Limb-girdle muscular dystrophy, type 2B; MUSCULAR DYSTROPHY, LIMB-GIRDLE, AUTOSOMAL RECESSIVE 2; Limb-Girdle Muscular Dystrophy Type 2B (LGMD2B). Identifiers: Orphanet 268, MedGen C1850889, MONDO:0009676, OMIM 253601.

Allele frequency attached by ClinVar (database versions not stated): ExAC 0.00001; gnomAD 0.00001; TOPMed 0.00001.
gnomAD v4.1: 26 of 1,614,016 alleles (0.0016%); highest among the groups gnomAD compares: Non-Finnish European, 0.0021%; no homozygotes.

Submissions (3):

Labcorp Genetics (formerly Invitae), Labcorp
Classification: Likely benign for Neuromuscular disease caused by qualitative or quantitative defects of dysferlin. Last evaluated: 2023-09-03. Review status: criteria provided, single submitter. Criteria: Invitae Variant Classification Sherloc (09022015). Collection method: clinical testing. Allele origin: germline.

CeGaT Center for Human Genetics Tuebingen
Classification: Likely benign. Last evaluated: 2022-12-01. Review status: criteria provided, single submitter. Criteria: CeGaT Center For Human Genetics Tuebingen Variant Classification Criteria Version 2. Collection method: clinical testing. Allele origin: germline. Affected: yes. Observed: 1 variant allele.
Comment: DYSF: BP4, BP7

Natera, Inc.
Classification: Likely benign for Limb-girdle muscular dystrophy type 2B. Last evaluated: 2020-10-12. Review status: no assertion criteria provided. Collection method: clinical testing. Allele origin: germline. Not counted in ClinVar's aggregate classification.

NM_001130987.2(DYSF):c.312C>G (p.Ala104=)

Gene: DYSF (dysferlin; plus strand). Cytogenetic location: 2p13.2.
Variant type: single nucleotide variant.
Coding change: c.312C>G on transcript NM_001130987.2 (MANE Select); coding-DNA position 312, C replaced by G.
Protein change: p.Ala104=; no amino-acid change (alanine 104 retained).
Molecular consequence: synonymous variant.
Genome position (GRCh38, 1-based): chr2:71,503,286, C>G. VCF-style: chr2-71503286-C-G. GRCh37 (hg19) VCF-style: chr2-71730416-C-G.
Other names: c.312C>G, p.Ala104= (NM_001130455.2, NM_001130982.2, NM_001130983.2 and 3 more transcripts); c.309C>G, p.Ala103= (NM_001130976.2, NM_001130977.2, NM_001130978.2 and 4 more transcripts).
Identifiers: ClinVar variation 795025 (VCV000795025.36), dbSNP rs750834799, ClinGen allele CA1705309.